The following is an entry in ClinVar:

NM_002769.5(PRSS1):c.86A>G (p.Asn29Ser)

Genes: PRSS1 (serine protease 1; plus strand), TRB (T cell receptor beta locus; plus strand). Cytogenetic location: 7q34.
Variant type: single nucleotide variant.
Coding change: c.86A>G on transcript NM_002769.5 (MANE Select); coding-DNA position 86, A replaced by G.
Protein change: p.Asn29Ser; replaces asparagine 29 with serine.
Molecular consequence: missense variant. On other transcripts: non-coding transcript variant (2).
Genome position (GRCh38, 1-based): chr7:142,750,600, A>G. VCF-style: chr7-142750600-A-G. GRCh37 (hg19) VCF-style: chr7-142458451-A-G.
Other names: short protein forms N29S.
Identifiers: ClinVar variation 2621917 (VCV002621917.5), dbSNP rs111033566, ClinGen allele CA369607156.

ClinVar aggregate classification (germline): Uncertain significance. Review status: criteria provided, multiple submitters, no conflicts (2 of 4 stars). 2 submissions from 2 submitters: Uncertain significance (2). Last evaluated 2025-04-17.

Conditions:
Hereditary pancreatitis (PCTT). Also called: PRSS1-Related Hereditary Pancreatitis; Hereditary chronic pancreatitis. Identifiers: Orphanet 676, MedGen C0238339, MONDO:0008185, OMIM 167800.

Submissions (2):

Labcorp Genetics (formerly Invitae), Labcorp
Classification: Uncertain significance for Hereditary pancreatitis. Last evaluated: 2025-04-17. Review status: criteria provided, single submitter. Criteria: Invitae Variant Classification Sherloc (09022015). Collection method: clinical testing. Allele origin: germline.
Comment: This sequence change replaces asparagine, which is neutral and polar, with serine, which is neutral and polar, at codon 29 of the PRSS1 protein (p.Asn29Ser). This variant is not present in population databases (gnomAD no frequency). This variant has not been reported in the literature in individuals affected with PRSS1-related conditions. ClinVar contains an entry for this variant (Variation ID: 2621917). Invitae Evidence Modeling of protein sequence and biophysical properties (such as structural, functional, and spatial information, amino acid conservation, physicochemical variation, residue mobility, and thermodynamic stability) indicates that this missense variant is not expected to disrupt PRSS1 protein function with a negative predictive value of 80%. This variant disrupts the p.Asn29 amino acid residue in PRSS1. Other variant(s) that disrupt this residue have been determined to be pathogenic (PMID: 2539344, 10801865, 11097832, 18755888, 19453252). This suggests that this residue is clinically significant, and that variants that disrupt this residue are likely to be disease-causing. In summary, the available evidence is currently insufficient to determine the role of this variant in disease. Therefore, it has been classified as a Variant of Uncertain Significance.

Ambry Genetics
Classification: Uncertain significance for Hereditary pancreatitis. Last evaluated: 2023-08-12. Review status: criteria provided, single submitter. Criteria: Ambry Variant Classification Scheme 2023. Collection method: clinical testing. Allele origin: germline.
Comment: The p.N29S variant (also known as c.86A>G), located in coding exon 2 of the PRSS1 gene, results from an A to G substitution at nucleotide position 86. The asparagine at codon 29 is replaced by serine, an amino acid with highly similar properties. This amino acid position is poorly conserved in available vertebrate species. In addition, this alteration is predicted to be tolerated by in silico analysis. Since supporting evidence is limited at this time, the clinical significance of this alteration remains unclear.

Literature cited by the submitters: PubMed 2539344 (cited by Labcorp Genetics (formerly Invitae), Labcorp); PubMed 10801865 (cited by Labcorp Genetics (formerly Invitae), Labcorp); PubMed 11097832 (cited by Labcorp Genetics (formerly Invitae), Labcorp); PubMed 18755888 (cited by Labcorp Genetics (formerly Invitae), Labcorp); PubMed 19453252 (cited by Labcorp Genetics (formerly Invitae), Labcorp).